The following is an entry in ClinVar:

ClinVar aggregate classification (germline): Pathogenic (1 of 4 stars; one submission).

Submission:

Illumina Laboratory Services, Illumina
Classification: Pathogenic. Last evaluated: 2021-08-25. Review status: criteria provided, single submitter. Criteria: ICSL CNVClassificationCriteria Aug2020. Collection method: clinical testing. Allele origin: unknown.
Comment: This CNV is a 195kb deletion of 22q13.33, on chromosome 22, (seq[GRCh37]del(22)(q13.33); chr22:g.50984491_51179298del). This CNV constitutes a terminal loss encompassing nine protein coding genes, including the SHANK3 gene, and overlaps the well-described 22q13.3 deletion syndrome, also known as Phelan-McDermid syndrome (Phelan et al. 2012). Similar deletions have been reported in individuals with phenotypes consistent with Phelan-McDermid syndrome (Delahaye et al. 2009; Bocutto et al. 2013; Zwanenburg et al. 2016; Mitz et al. 2018). This CNV has not been reported in controls. Based on the collective evidence, this CNV is classified as pathogenic.

Literature cited by the submitters: PubMed 19454329; PubMed 22670140; PubMed 22892527; PubMed 27118998; PubMed 29358616.

GRCh37/hg19 22q13.33(chr22:50984491-51179298)x1

Genes: ACR (acrosin; plus strand), ARSA (arylsulfatase A; minus strand), CHKB (choline kinase beta; minus strand), CPT1B (carnitine palmitoyltransferase 1B; minus strand), KLHDC7B (kelch domain containing 7B; plus strand) and 3 more. Cytogenetic location: 22q13.33.
Variant type: copy number loss.
Change: copy number 1 (one copy instead of two) of chr22:50,984,491-51,179,298 (194.8 kb, GRCh37 coordinates, 1-based), cytogenetic band 22q13.33.
Identifiers: ClinVar variation 1328103 (VCV001328103.4).